The following is an entry in ClinVar:

NM_183357.3(ADCY5):c.1013C>A (p.Thr338Asn)

Gene: ADCY5 (adenylate cyclase 5; minus strand). Cytogenetic location: 3q21.1.
Variant type: single nucleotide variant.
Coding change: c.1013C>A on transcript NM_183357.3 (MANE Select); coding-DNA position 1013, C replaced by A.
Protein change: p.Thr338Asn; replaces threonine 338 with asparagine.
Molecular consequence: missense variant.
Genome position (GRCh38, 1-based): chr3:123,447,533, G>T on the plus strand (C>A on the coding strand, the complement: ADCY5 is on the minus strand). VCF-style: chr3-123447533-G-T. GRCh37 (hg19) VCF-style: chr3-123166380-G-T.
Other names: c.1013C>A, p.Thr338Asn (NM_001378259.1); short protein forms T338N.
Identifiers: ClinVar variation 4682047 (VCV004682047.5).

ClinVar aggregate classification (germline): Uncertain significance (1 of 4 stars; one submission).

Submission:

CeGaT Center for Human Genetics Tuebingen
Classification: Uncertain significance. Last evaluated: 2025-12-01. Review status: criteria provided, single submitter. Criteria: CeGaT Center For Human Genetics Tuebingen Variant Classification Criteria Version 2. Collection method: clinical testing. Allele origin: germline. Affected: yes. Observed: 1 variant allele.
Comment: ADCY5: PM2